The following is an entry in ClinVar:

ClinVar aggregate classification (germline): Uncertain significance. Review status: criteria provided, multiple submitters, no conflicts (2 of 4 stars). 2 submissions from 2 submitters: Uncertain significance (2). Last evaluated 2025-11-24.

Conditions:
Inborn genetic diseases. Identifiers: MedGen C0950123, MeSH D030342.

gnomAD v4.1: 1 of 1,610,658 alleles (0.000062%); no homozygotes.

Submissions (2):

Ambry Genetics
Classification: Uncertain significance for Inborn genetic diseases. Last evaluated: 2025-11-24. Review status: criteria provided, single submitter. Criteria: Ambry Variant Classification Scheme 2023. Collection method: clinical testing. Allele origin: germline.

Labcorp Genetics (formerly Invitae), Labcorp
Classification: Uncertain significance. Last evaluated: 2022-06-30. Review status: criteria provided, single submitter. Criteria: Invitae Variant Classification Sherloc (09022015). Collection method: clinical testing. Allele origin: germline.
Comment: This variant has not been reported in the literature in individuals affected with TUBGCP6-related conditions. In summary, the available evidence is currently insufficient to determine the role of this variant in disease. Therefore, it has been classified as a Variant of Uncertain Significance. Algorithms developed to predict the effect of missense changes on protein structure and function are either unavailable or do not agree on the potential impact of this missense change (SIFT: "Deleterious"; PolyPhen-2: "Possibly Damaging"; Align-GVGD: "Class C0"). This variant is not present in population databases (gnomAD no frequency). This sequence change replaces serine, which is neutral and polar, with phenylalanine, which is neutral and non-polar, at codon 997 of the TUBGCP6 protein (p.Ser997Phe).

NM_020461.4(TUBGCP6):c.2990C>T (p.Ser997Phe)

Gene: TUBGCP6 (tubulin gamma complex component 6; minus strand). Cytogenetic location: 22q13.33.
Variant type: single nucleotide variant.
Coding change: c.2990C>T on transcript NM_020461.4 (MANE Select); coding-DNA position 2990, C replaced by T.
Protein change: p.Ser997Phe; replaces serine 997 with phenylalanine.
Molecular consequence: missense variant.
Genome position (GRCh38, 1-based): chr22:50,221,369, G>A on the plus strand (C>T on the coding strand, the complement: TUBGCP6 is on the minus strand). VCF-style: chr22-50221369-G-A. GRCh37 (hg19) VCF-style: chr22-50659798-G-A.
Other names: c.2990C>T (NM_020461.3); short protein forms S997F.
Identifiers: ClinVar variation 2012524 (VCV002012524.5), dbSNP rs2519137404, ClinGen allele CA412185595.
Genomic context (GRCh38, chr22:50,221,369, plus strand): 5'-CCCTCCTCCAGAGCAGCACGCCTGGGTGGGTGTGAGGGGAGCAGAGTCTCCCGCGAGGCG[G>A]AGCCACAGGCATCCATCTTCCCACAACTGTCCTCCCACAGCTGTAGCCCTGAGCTGCCCA-3'
Protein context (NP_065194.3, residues 987-1007): DSCGKMDACG[Ser997Phe]ASRETLLPSH